The following is an entry in ClinVar:

NM_022356.4(P3H1):c.1831G>T (p.Asp611Tyr)

Gene: P3H1 (prolyl 3-hydroxylase 1; minus strand). Cytogenetic location: 1p34.2.
Variant type: single nucleotide variant.
Coding change: c.1831G>T on transcript NM_022356.4 (MANE Select); coding-DNA position 1831, G replaced by T.
Protein change: p.Asp611Tyr; replaces aspartic acid 611 with tyrosine.
Molecular consequence: missense variant.
Genome position (GRCh38, 1-based): chr1:42,748,207, C>A on the plus strand (G>T on the coding strand, the complement: P3H1 is on the minus strand). VCF-style: chr1-42748207-C-A. GRCh37 (hg19) VCF-style: chr1-43213878-C-A.
Other names: c.1831G>T, p.Asp611Tyr (NM_001146289.2, NM_001243246.2); short protein forms D611Y.
Identifiers: ClinVar variation 852082 (VCV000852082.9), dbSNP rs200935208, ClinGen allele CA801686.

ClinVar aggregate classification (germline): Uncertain significance. Review status: criteria provided, multiple submitters, no conflicts (2 of 4 stars). 3 submissions from 3 submitters: Uncertain significance (3). Last evaluated 2023-10-03.

Conditions:
Osteogenesis imperfecta type 8 (OI8). Identifiers: MedGen C1970458, MONDO:0012581, OMIM 610915.

Allele frequency attached by ClinVar (database versions not stated): TOPMed 0.00003; gnomAD 0.00004.
gnomAD v4.1: 38 of 1,612,622 alleles (0.0024%); highest among the groups gnomAD compares: Non-Finnish European, 0.0031%; no homozygotes.

Submissions (3):

Labcorp Genetics (formerly Invitae), Labcorp
Classification: Uncertain significance for Osteogenesis imperfecta type 8. Last evaluated: 2023-10-03. Review status: criteria provided, single submitter. Criteria: Invitae Variant Classification Sherloc (09022015). Collection method: clinical testing. Allele origin: germline.
Comment: This sequence change replaces aspartic acid, which is acidic and polar, with tyrosine, which is neutral and polar, at codon 611 of the P3H1 protein (p.Asp611Tyr). This variant is present in population databases (rs200935208, gnomAD 0.003%). This variant has not been reported in the literature in individuals affected with P3H1-related conditions. ClinVar contains an entry for this variant (Variation ID: 852082). Advanced modeling of protein sequence and biophysical properties (such as structural, functional, and spatial information, amino acid conservation, physicochemical variation, residue mobility, and thermodynamic stability) performed at Invitae indicates that this missense variant is expected to disrupt P3H1 protein function. In summary, the available evidence is currently insufficient to determine the role of this variant in disease. Therefore, it has been classified as a Variant of Uncertain Significance.

Genome-Nilou Lab
Classification: Uncertain significance for Osteogenesis imperfecta type 8. Last evaluated: 2023-04-11. Review status: criteria provided, single submitter. Criteria: ACMG Guidelines, 2015. Collection method: clinical testing. Allele origin: germline. Affected: no.

Victorian Clinical Genetics Services, Murdoch Childrens Research Institute
Classification: Uncertain significance for Osteogenesis imperfecta type 8. Last evaluated: 2020-06-11. Review status: criteria provided, single submitter. Criteria: ACMG Guidelines, 2015. Collection method: clinical testing. Allele origin: germline. Inheritance: Autosomal recessive inheritance. Affected: yes.
Comment: Based on the classification scheme VCGS_Germline_v1.1.1, this variant is classified as 3A-VUS. Following criteria are met: 0102 - Loss-of-function is a known mechanism of disease for this gene. (N) 0106 - This gene is known to be associated with autosomal recessive disease. (N) 0200 - Variant is predicted to result in a missense amino acid change from aspartate to tyrosine (exon 12). (N) 0251 - Variant is heterozygous. (N) 0304 - Variant is present in gnomAD <0.01 for a recessive condition (5 heterozygotes, 0 homozygotes). (P) 0309 - An alternative amino acid change at the same position has been observed in gnomAD (2 heterozygotes, 0 homozygotes). (N) 0501 - Missense variant consistently predicted to be damaging by multiple in silico tools or highly conserved with a major amino acid change. (P) 0600 - Variant is located in an annotated domain or motif (20G-FeII_Oxy domain; DECIPHER, PDB, NCBI). (N) 0705 - No comparable variants have previous evidence for pathogenicity. (N) 0804 - Variant is in the population at low frequency and has previously been described as variant of uncertain significance in a single independent case with consistent phenotype (ClinVar). (N) 0905 - No segregation evidence has been identified for this variant. (N) 1007 - No published functional evidence has been identified for this variant. (N) 1102 - Strong phenotype match. (P) 1208 - Inheritance information for this variant is not currently available. (N) Legend: (P) - Pathogenic, (N) - Neutral, (B) - Benign